The following is an entry in ClinVar:

NM_002294.3(LAMP2):c.568G>A (p.Asp190Asn)

Gene: LAMP2 (lysosome associated membrane protein 2; minus strand). Cytogenetic location: Xq24.
Variant type: single nucleotide variant.
Coding change: c.568G>A on transcript NM_002294.3 (MANE Select); coding-DNA position 568, G replaced by A.
Protein change: p.Asp190Asn; replaces aspartic acid 190 with asparagine.
Molecular consequence: missense variant.
Genome position (GRCh38, 1-based): chrX:120,448,014, C>T on the plus strand (G>A on the coding strand, the complement: LAMP2 is on the minus strand). VCF-style: chrX-120448014-C-T. GRCh37 (hg19) VCF-style: chrX-119581869-C-T.
Other names: c.568G>A, p.Asp190Asn (NM_001122606.1, NM_013995.2); short protein forms D190N.
Identifiers: ClinVar variation 4741341 (VCV004741341.1).

ClinVar aggregate classification (germline): Uncertain significance (1 of 4 stars; one submission).

Conditions:
Danon disease. Also called: Glycogen Storage Disease Type IIb; ANTOPOL DISEASE; PSEUDOGLYCOGENOSIS II; GSD IIb; LYSOSOMAL GLYCOGEN STORAGE DISEASE WITHOUT ACID MALTASE DEFICIENCY. Identifiers: Orphanet 34587, MedGen C0878677, MONDO:0010281, OMIM 300257.

Submission:

Labcorp Genetics (formerly Invitae), Labcorp
Classification: Uncertain significance for Danon disease. Last evaluated: 2025-05-14. Review status: criteria provided, single submitter. Criteria: Invitae Variant Classification Sherloc (09022015). Collection method: clinical testing. Allele origin: germline.
Comment: This sequence change replaces aspartic acid, which is acidic and polar, with asparagine, which is neutral and polar, at codon 190 of the LAMP2 protein (p.Asp190Asn). This variant is not present in population databases (gnomAD no frequency). This variant has not been reported in the literature in individuals affected with LAMP2-related conditions. Invitae Evidence Modeling of protein sequence and biophysical properties (such as structural, functional, and spatial information, amino acid conservation, physicochemical variation, residue mobility, and thermodynamic stability) indicates that this missense variant is not expected to disrupt LAMP2 protein function with a negative predictive value of 80%. In summary, the available evidence is currently insufficient to determine the role of this variant in disease. Therefore, it has been classified as a Variant of Uncertain Significance.